The following is an entry in ClinVar:

NM_000031.6(ALAD):c.664C>T (p.Arg222Cys)

Gene: ALAD (aminolevulinate dehydratase; minus strand). Cytogenetic location: 9q32.
Variant type: single nucleotide variant.
Coding change: c.664C>T on transcript NM_000031.6 (MANE Select); coding-DNA position 664, C replaced by T.
Protein change: p.Arg222Cys; replaces arginine 222 with cysteine.
Molecular consequence: missense variant.
Genome position (GRCh38, 1-based): chr9:113,389,649, G>A on the plus strand (C>T on the coding strand, the complement: ALAD is on the minus strand). VCF-style: chr9-113389649-G-A. GRCh37 (hg19) VCF-style: chr9-116151929-G-A.
Other names: c.751C>T, p.Arg251Cys (NM_001003945.3); c.640C>T, p.Arg214Cys (NM_001317745.2); short protein forms R222C, R214C, R251C.
Identifiers: ClinVar variation 3108361 (VCV003108361.2), dbSNP rs748726105, ClinGen allele CA5196405.
Genomic context (GRCh38, chr9:113,389,649, plus strand): 5'-AGTCACTCACCACAGCTCGGAGAGCCAGGCCTCGTGCTCCAGGGGGCAGCTGGTAGCAGC[G>A]GCGGTCCCCAAAAGCTGGGCTTGACTTAGCTGCATCCCTGCAAAGCAGAGTCATCAGGGT-3'
Protein context (NP_000022.3, residues 212-232): AKSSPAFGDR[Arg222Cys]CYQLPPGARG

ClinVar aggregate classification (germline): Uncertain significance. Review status: criteria provided, multiple submitters, no conflicts (2 of 4 stars). 2 submissions from 2 submitters: Uncertain significance (2). Last evaluated 2024-02-27.

Conditions:
Inborn genetic diseases. Identifiers: MedGen C0950123, MeSH D030342.

Allele frequency attached by ClinVar (database versions not stated): gnomAD 0.00001; gnomAD exomes 0.00001; TOPMed 0.00001; ExAC 0.00002.

Submissions (2):

Ambry Genetics
Classification: Uncertain significance for Inborn genetic diseases. Last evaluated: 2024-02-27. Review status: criteria provided, single submitter. Criteria: Ambry Variant Classification Scheme 2023. Collection method: clinical testing. Allele origin: germline.

GeneDx
Classification: Uncertain significance. Last evaluated: 2023-10-25. Review status: criteria provided, single submitter. Criteria: GeneDx Variant Classification Process June 2021. Collection method: clinical testing. Allele origin: germline. Affected: yes.
Comment: In silico analysis supports that this missense variant has a deleterious effect on protein structure/function; Has not been previously published as pathogenic or benign to our knowledge